The following is an entry in ClinVar:

NM_001005373.4(LRSAM1):c.845C>T (p.Thr282Ile)

Gene: LRSAM1 (leucine rich repeat and sterile alpha motif containing 1; plus strand). Cytogenetic location: 9q33.3.
Variant type: single nucleotide variant.
Coding change: c.845C>T on transcript NM_001005373.4 (MANE Select); coding-DNA position 845, C replaced by T.
Protein change: p.Thr282Ile; replaces threonine 282 with isoleucine.
Molecular consequence: missense variant. On other transcripts: non-coding transcript variant (2).
Genome position (GRCh38, 1-based): chr9:127,479,447, C>T. VCF-style: chr9-127479447-C-T. GRCh37 (hg19) VCF-style: chr9-130241726-C-T.
Other names: c.845C>T, p.Thr282Ile (NM_001005374.4, NM_001190723.3, NM_001384142.1 and 2 more transcripts); c.56C>T, p.Thr19Ile (NM_001384144.1); short protein forms T282I, T19I.
Identifiers: ClinVar variation 4987659 (VCV004987659.1).
Genomic context (GRCh38, chr9:127,479,447, plus strand): 5'-AGAAGATGCTGGAGAAACTCGAGTTTGAACGGCGCCTGGAACTGGGGCAGCGGGAGCACA[C>T]CCAGCTCCTTCAGCAGAGCAGCAGCCAGAAGGATGAGATCCTTCAGACGGTCAAGGAGGT-3'
Protein context (NP_001005373.1, residues 272-292): RRLELGQREH[Thr282Ile]QLLQQSSSQK

ClinVar aggregate classification (germline): Uncertain significance (1 of 4 stars; one submission).

Conditions:
LRSAM1-related disorder. Also called: LRSAM1-related condition.

gnomAD v4.1: 12 of 1,614,160 alleles (0.00074%); highest among the groups gnomAD compares: Middle Eastern, 0.016%; no homozygotes.

Submission:

PreventionGenetics, part of Exact Sciences
Classification: Uncertain significance for LRSAM1-related condition. Last evaluated: 2025-11-19. Review status: criteria provided, single submitter. Criteria: ACMG Guidelines, 2015. Collection method: clinical testing. Allele origin: germline.
Comment: The LRSAM1 c.845C>T variant is predicted to result in the amino acid substitution p.Thr282Ile. To our knowledge, this variant has not been reported in the literature. This variant has been reported in one heterozygous individual within the ‘other’ subpopulation in gnomAD. At this time, the clinical significance of this variant is uncertain due to the absence of conclusive functional and genetic evidence.